The following is an entry in ClinVar:

ClinVar aggregate classification (germline): Uncertain significance (1 of 4 stars; one submission).

gnomAD v4.1: 3 of 1,614,170 alleles (0.00019%); highest among the groups gnomAD compares: Non-Finnish European, 0.00025%; no homozygotes.

Submission:

Labcorp Genetics (formerly Invitae), Labcorp
Classification: Uncertain significance. Last evaluated: 2024-03-09. Review status: criteria provided, single submitter. Criteria: Invitae Variant Classification Sherloc (09022015). Collection method: clinical testing. Allele origin: germline.
Comment: This sequence change replaces histidine, which is basic and polar, with arginine, which is basic and polar, at codon 1415 of the SPEG protein (p.His1415Arg). This variant is not present in population databases (gnomAD no frequency). This variant has not been reported in the literature in individuals affected with SPEG-related conditions. An algorithm developed to predict the effect of missense changes on protein structure and function (PolyPhen-2) suggests that this variant is likely to be tolerated. In summary, the available evidence is currently insufficient to determine the role of this variant in disease. Therefore, it has been classified as a Variant of Uncertain Significance.

NM_005876.5(SPEG):c.4244A>G (p.His1415Arg)

Gene: SPEG (striated muscle enriched protein kinase; plus strand). Cytogenetic location: 2q35.
Variant type: single nucleotide variant.
Coding change: c.4244A>G on transcript NM_005876.5 (MANE Select); coding-DNA position 4244, A replaced by G.
Protein change: p.His1415Arg; replaces histidine 1415 with arginine.
Molecular consequence: missense variant.
Genome position (GRCh38, 1-based): chr2:219,473,600, A>G. VCF-style: chr2-219473600-A-G. GRCh37 (hg19) VCF-style: chr2-220338322-A-G.
Other names: short protein forms H1415R.
Identifiers: ClinVar variation 3677896 (VCV003677896.2).